The following is an entry in ClinVar:

ClinVar aggregate classification (germline): Uncertain significance (1 of 4 stars; one submission).

Submission:

Labcorp Genetics (formerly Invitae), Labcorp
Classification: Uncertain significance. Last evaluated: 2022-04-06. Review status: criteria provided, single submitter. Criteria: Invitae Variant Classification Sherloc (09022015). Collection method: clinical testing. Allele origin: germline.
Comment: In summary, the available evidence is currently insufficient to determine the role of this variant in disease. Therefore, it has been classified as a Variant of Uncertain Significance. This variant disrupts a region of the TUBGCP6 protein in which other variant(s) (p.Glu849Gly) have been observed in individuals with TUBGCP6-related conditions (PMID: 25344692). This suggests that this is a clinically significant region of the protein, and that variants that disrupt it are likely to be disease-causing. This variant has not been reported in the literature in individuals affected with TUBGCP6-related conditions. This variant is a gross deletion of the genomic region encompassing exon(s) 11-25 of the TUBGCP6 gene, which includes the termination codon. This deletion extends beyond the assayed region for this gene and therefore may encompass additional genes. While this deletion is not anticipated to lead to nonsense mediated decay, it is expected to alter mRNA translation or result in a truncated protein product.

Literature cited by the submitters: PubMed 25344692.

NC_000022.10:g.(?_50656165)_(50663041_?)del

Gene: TUBGCP6 (tubulin gamma complex component 6; minus strand). Cytogenetic location: 22q13.33.
Variant type: Deletion.
Identifiers: ClinVar variation 2426561 (VCV002426561.4).